The following is an entry in ClinVar:

ClinVar aggregate classification (germline): Likely pathogenic (1 of 4 stars; one submission).

Conditions:
Cornelia de Lange syndrome 1 (CDLS1). Also called: Brachmann de Lange syndrome; NIPBL-Related Cornelia de Lange Syndrome; TYPUS DEGENERATIVUS AMSTELODAMENSIS. Identifiers: Orphanet 199, MedGen C4551851, MONDO:0007387, OMIM 122470.

Submission:

Department of Clinical Genetics, Aarhus University Hospital
Classification: Likely pathogenic for Cornelia de Lange syndrome 1. Last evaluated: 2026-01-26. Review status: criteria provided, single submitter. Criteria: ACMG Guidelines, 2015. Collection method: clinical testing. Allele origin: maternal. Inheritance: Autosomal dominant inheritance. Affected: yes.
Comment: The variant is not seen in the gnomAD 4.1 database. To our knowledge the variant has not been reported in individuals with CDLS . The variant is a frameshift variant predicted to cause a premature termination codon in exon 47 of 47, hence is not anticipated to result in nonsense mediated decay. However, other truncating variants within exon 47 including variants downstream of c.8147dup is reported in patients with CDLS. According to the ACMG guidelines, this variant is interpreted as likely pathogenic (PM2_supporting, PVS1_strong, PP4_mod).

NM_133433.4(NIPBL):c.8147dup (p.Tyr2718fs)

Gene: NIPBL (NIPBL cohesin loading factor; plus strand). Cytogenetic location: 5p13.2.
Variant type: Duplication.
Coding change: c.8147dup on transcript NM_133433.4 (MANE Select); coding-DNA position 8147, one base duplicated (C; older notation c.8147dupC).
Protein change: p.Tyr2718fs; shifts the reading frame from tyrosine 2718.
Molecular consequence: frameshift variant. On other transcripts: 3 prime UTR variant (2).
Genome position (GRCh38, 1-based): chr5:37,064,624, C duplicated; the last of 2 consecutive C bases (chr5:37,064,623-37,064,624); duplicating either gives the same sequence. VCF-style (leftmost placement, unchanged base first): chr5-37064622-T-TC. GRCh37 (hg19) VCF-style: chr5-37064724-T-TC.
Other names: c.*91dup (NM_001438586.1); c.*601dup (NM_015384.5); short protein forms Y2718fs.
Identifiers: ClinVar variation 4845652 (VCV004845652.1).